The following is an entry in ClinVar:

NM_000540.3(RYR1):c.7107G>A (p.Arg2369=)

Gene: RYR1 (ryanodine receptor 1; plus strand). Cytogenetic location: 19q13.2.
Variant type: single nucleotide variant.
Coding change: c.7107G>A on transcript NM_000540.3 (MANE Select); coding-DNA position 7107, G replaced by A.
Protein change: p.Arg2369=; no amino-acid change (arginine 2369 retained).
Molecular consequence: synonymous variant.
Genome position (GRCh38, 1-based): chr19:38,499,714, G>A. VCF-style: chr19-38499714-G-A. GRCh37 (hg19) VCF-style: chr19-38990354-G-A.
Other names: c.7107G>A, p.Arg2369= (NM_001042723.2).
Identifiers: ClinVar variation 1497880 (VCV001497880.6), dbSNP rs2145600619, ClinGen allele CA507353857.
Genomic context (GRCh38, chr19:38,499,714, plus strand): 5'-CGCCAATGTGGTGGTGCGGCTGCTCATCCGGAAGCCTGAGTGCTTCGGACCCGCCCTGCG[G>A]GGTGAGGGTGGCTCAGGGCTGCTGGCTGCCATCGAAGAGGCCATCCGCATCTCCGAGGAC-3'
Protein context (NP_000531.2, residues 2359-2379): RKPECFGPAL[Arg2369=]GEGGSGLLAA

ClinVar aggregate classification (germline): Conflicting classifications of pathogenicity. Review status: criteria provided, conflicting classifications (1 of 4 stars). 2 submissions from 2 submitters: Uncertain significance (1); Likely benign (1). Last evaluated 2025-06-23.

Conditions:
RYR1-related disorder. Also called: RYR1-related disorders; RYR1-related condition. Identifiers: MedGen CN239331.
Malignant hyperthermia, susceptibility to, 1 (MHS1). Also called: RYR1-Related Malignant Hyperthermia Susceptibility; Malignant hyperthermia suceptibility 1; Anesthesia related hyperthermia; Malignant hyperpyrexia; Fulminating hyperpyrexia; Pharmacogenic myopathy. Identifiers: Orphanet 423, MedGen C2930980, MONDO:0007783, OMIM 145600.

gnomAD v4.1: 1 of 1,601,682 alleles (0.000062%); highest among the groups gnomAD compares: Non-Finnish European, 0.000085%; no homozygotes.

Submissions (2):

Color Diagnostics, LLC DBA Color Health
Classification: Uncertain significance for Malignant hyperthermia, susceptibility to, 1. Last evaluated: 2025-06-23. Review status: criteria provided, single submitter. Criteria: ACMG Guidelines, 2015. Collection method: clinical testing. Allele origin: germline.
Comment: This variant is located in the RYR1 protein. To our knowledge, functional studies have not been reported for this variant. This variant has not been reported in individuals affected with RYR1-related disorders in the literature. This variant has not been identified in the general population by the Genome Aggregation Database (gnomAD). The available evidence is insufficient to determine the role of this variant in disease conclusively. Therefore, this variant is classified as a Variant of Uncertain Significance.

Labcorp Genetics (formerly Invitae), Labcorp
Classification: Likely benign for RYR1-related disorder. Last evaluated: 2024-03-04. Review status: criteria provided, single submitter. Criteria: Invitae Variant Classification Sherloc (09022015). Collection method: clinical testing. Allele origin: germline.